The following is an entry in ClinVar:

ClinVar aggregate classification (germline): Uncertain significance (1 of 4 stars; one submission).

Conditions:
Cardiovascular phenotype. Identifiers: MedGen CN230736.

Submission:

Molecular Diagnostic Laboratory for Inherited Cardiovascular Disease, Montreal Heart Institute
Classification: Uncertain significance for Cardiovascular phenotype. Last evaluated: 2025-07-24. Review status: criteria provided, single submitter. Criteria: ACMG Guidelines, 2015. Collection method: clinical testing. Allele origin: germline. Affected: yes.
Comment: PM2, PP2, PP3

NM_000138.5(FBN1):c.7798T>C (p.Tyr2600His)

Gene: FBN1 (fibrillin 1; minus strand). Cytogenetic location: 15q21.1.
Variant type: single nucleotide variant.
Coding change: c.7798T>C on transcript NM_000138.5 (MANE Select); coding-DNA position 7798, T replaced by C.
Protein change: p.Tyr2600His; replaces tyrosine 2600 with histidine.
Molecular consequence: missense variant.
Genome position (GRCh38, 1-based): chr15:48,420,708, A>G on the plus strand (T>C on the coding strand, the complement: FBN1 is on the minus strand). VCF-style: chr15-48420708-A-G. GRCh37 (hg19) VCF-style: chr15-48712905-A-G.
Other names: c.7798T>C, p.Tyr2600His (NM_001406716.1); short protein forms Y2600H.
Identifiers: ClinVar variation 4076417 (VCV004076417.1).